The following is an entry in ClinVar:

NM_152424.4(AMER1):c.802G>A (p.Ala268Thr)

Gene: AMER1 (APC membrane recruitment protein 1; minus strand). Cytogenetic location: Xq11.2.
Variant type: single nucleotide variant.
Coding change: c.802G>A on transcript NM_152424.4 (MANE Select); coding-DNA position 802, G replaced by A.
Protein change: p.Ala268Thr; replaces alanine 268 with threonine.
Molecular consequence: missense variant.
Genome position (GRCh38, 1-based): chrX:64,192,485, C>T on the plus strand (G>A on the coding strand, the complement: AMER1 is on the minus strand). VCF-style: chrX-64192485-C-T. GRCh37 (hg19) VCF-style: chrX-63412365-C-T.
Other names: short protein forms A268T.
Identifiers: ClinVar variation 1976506 (VCV001976506.5), dbSNP rs1930272566, ClinGen allele CA413309476.

ClinVar aggregate classification (germline): Uncertain significance (1 of 4 stars; one submission).

gnomAD v4.1: 1 of 1,203,102 alleles (0.000083%); no homozygotes.

Submission:

Labcorp Genetics (formerly Invitae), Labcorp
Classification: Uncertain significance. Last evaluated: 2024-10-24. Review status: criteria provided, single submitter. Criteria: Invitae Variant Classification Sherloc (09022015). Collection method: clinical testing. Allele origin: germline.
Comment: This sequence change replaces alanine, which is neutral and non-polar, with threonine, which is neutral and polar, at codon 268 of the AMER1 protein (p.Ala268Thr). This variant is not present in population databases (gnomAD no frequency). This variant has not been reported in the literature in individuals affected with AMER1-related conditions. ClinVar contains an entry for this variant (Variation ID: 1976506). An algorithm developed to predict the effect of missense changes on protein structure and function (PolyPhen-2) suggests that this variant is likely to be tolerated. In summary, the available evidence is currently insufficient to determine the role of this variant in disease. Therefore, it has been classified as a Variant of Uncertain Significance.